The following is an entry in ClinVar:

NM_000059.4(BRCA2):c.6277dup (p.His2093fs)

Gene: BRCA2 (BRCA2 DNA repair associated; plus strand). Cytogenetic location: 13q13.1.
Variant type: Duplication.
Coding change: c.6277dup on transcript NM_000059.4 (MANE Select); coding-DNA position 6277, one base duplicated (C; older notation c.6277dupC).
Protein change: p.His2093fs; shifts the reading frame from histidine 2093.
Molecular consequence: frameshift variant.
Genome position (GRCh38, 1-based): chr13:32,340,632, C duplicated. VCF-style (leftmost placement, unchanged base first): chr13-32340631-T-TC. GRCh37 (hg19) VCF-style: chr13-32914768-T-TC.
Other names: c.6277dupC (NM_000059.3); short protein forms H2093fs.
Identifiers: ClinVar variation 254578 (VCV000254578.3), dbSNP rs886038143, ClinGen allele CA10586554.

ClinVar aggregate classification (germline): Pathogenic. Review status: reviewed by expert panel (3 of 4 stars). 2 submissions from 2 submitters: Pathogenic (1). 1 of the submissions does not count toward it. Last evaluated 2016-09-08.

Conditions:
Breast-ovarian cancer, familial, susceptibility to, 2 (BROVCA2). Also called: BRCA2 Hereditary Breast and Ovarian Cancer. Identifiers: Orphanet 145, MedGen C2675520, MONDO:0012933, OMIM 612555. Disease mechanism: loss of function.

Submissions (2):

Evidence-based Network for the Interpretation of Germline Mutant Alleles (ENIGMA)
Classification: Pathogenic for Breast-ovarian cancer, familial, susceptibility to, 2. Last evaluated: 2016-09-08. Review status: reviewed by expert panel. Criteria: ENIGMA BRCA1/2 Classification Criteria (2015). Collection method: curation. Allele origin: germline.
Comment: Variant allele predicted to encode a truncated non-functional protein.

Consortium of Investigators of Modifiers of BRCA1/2 (CIMBA), c/o University of Cambridge
Classification: Pathogenic for Breast-ovarian cancer, familial, susceptibility to, 2. Last evaluated: 2015-10-02. Review status: criteria provided, single submitter. Criteria: CIMBA Mutation Classification guidelines May 2016. Collection method: clinical testing. Allele origin: germline. Not counted in ClinVar's aggregate classification.